The following is an entry in ClinVar:

ClinVar aggregate classification (germline): Uncertain significance. Review status: criteria provided, multiple submitters, no conflicts (2 of 4 stars). 2 submissions from 2 submitters: Uncertain significance (2). Last evaluated 2026-06-10.

Conditions:
Inborn genetic diseases. Identifiers: MedGen C0950123, MeSH D030342.
PKD1-related disorder. Also called: PKD1-related condition.

Allele frequency attached by ClinVar (database versions not stated): gnomAD exomes 0.00002; gnomAD 0.00004; TOPMed 0.00004; ExAC 0.00009.
gnomAD v4.1: 29 of 1,604,516 alleles (0.0018%); highest among the groups gnomAD compares: Admixed American, 0.012%; no homozygotes.

Submissions (2):

PreventionGenetics, part of Exact Sciences
Classification: Uncertain significance for PKD1-related condition. Last evaluated: 2026-06-10. Review status: criteria provided, single submitter. Criteria: ACMG Guidelines, 2015. Collection method: clinical testing. Allele origin: germline.
Comment: The PKD1 c.12799C>T variant is predicted to result in the amino acid substitution p.Arg4267Trp. To our knowledge, this variant has not been reported in the literature. This variant is reported in 0.0079% of alleles in individuals of European (Non-Finnish) descent in gnomAD. Although we suspect that this variant may be benign, at this time, the clinical significance of this variant is uncertain due to the absence of conclusive functional and genetic evidence.

Ambry Genetics
Classification: Uncertain significance for Inborn genetic diseases. Last evaluated: 2023-12-27. Review status: criteria provided, single submitter. Criteria: Ambry Variant Classification Scheme 2023. Collection method: clinical testing. Allele origin: germline.

NM_001009944.3(PKD1):c.12799C>T (p.Arg4267Trp)

Gene: PKD1 (polycystin 1, transient receptor potential channel interacting; minus strand). Cytogenetic location: 16p13.3.
Variant type: single nucleotide variant.
Coding change: c.12799C>T on transcript NM_001009944.3 (MANE Select); coding-DNA position 12799, C replaced by T.
Protein change: p.Arg4267Trp; replaces arginine 4267 with tryptophan.
Molecular consequence: missense variant.
Genome position (GRCh38, 1-based): chr16:2,089,840, G>A on the plus strand (C>T on the coding strand, the complement: PKD1 is on the minus strand). VCF-style: chr16-2089840-G-A. GRCh37 (hg19) VCF-style: chr16-2139841-G-A.
Other names: c.12796C>T, p.Arg4266Trp (NM_000296.4); short protein forms R4267W, R4266W.
Identifiers: ClinVar variation 3213438 (VCV003213438.2), dbSNP rs773037551, ClinGen allele CA7828463.